The following is an entry in ClinVar:

NM_018136.5(ASPM):c.3793A>T (p.Lys1265Ter)

Gene: ASPM (assembly factor for spindle microtubules; minus strand). Cytogenetic location: 1q31.3.
Variant type: single nucleotide variant.
Coding change: c.3793A>T on transcript NM_018136.5 (MANE Select); coding-DNA position 3793, A replaced by T.
Protein change: p.Lys1265Ter; replaces lysine 1265 with a stop codon.
Molecular consequence: nonsense.
Genome position (GRCh38, 1-based): chr1:197,121,992, T>A on the plus strand (A>T on the coding strand, the complement: ASPM is on the minus strand). VCF-style: chr1-197121992-T-A. GRCh37 (hg19) VCF-style: chr1-197091122-T-A.
Other names: c.3793A>T, p.Lys1265Ter (NM_001206846.2); short protein forms K1265*.
Identifiers: ClinVar variation 5005490 (VCV005005490.2).

ClinVar aggregate classification (germline): Likely pathogenic (1 of 4 stars; one submission).

Conditions:
Microcephaly 5, primary, autosomal recessive (MCPH5). Also called: ASPM Primary Microcephaly. Identifiers: Orphanet 2512, MedGen C1837501, MONDO:0012106, OMIM 608716.

Submission:

Juno Genomics, Hangzhou Juno Genomics, Inc
Classification: Likely pathogenic for Microcephaly 5, primary, autosomal recessive. Review status: criteria provided, single submitter. Criteria: ACMG Guidelines, 2015. Collection method: clinical testing. Allele origin: germline.
Comment: Null variant in a gene where loss of function (LOF) is a known mechanism of disease.;Absent from controls (or at extremely low frequency if recessive) in Genome Aggregation Database.